The following is an entry in ClinVar:

NM_006421.5(ARFGEF1):c.2979+3A>G

Gene: ARFGEF1 (ARF guanine nucleotide exchange factor 1; minus strand). Cytogenetic location: 8q13.2.
Variant type: single nucleotide variant.
Coding change: c.2979+3A>G on transcript NM_006421.5 (MANE Select); 3 bases into the intron after coding-DNA position 2979, A replaced by G.
Molecular consequence: intron variant.
Genome position (GRCh38, 1-based): chr8:67,240,159, T>C on the plus strand (A>G on the coding strand, the complement: ARFGEF1 is on the minus strand). VCF-style: chr8-67240159-T-C. GRCh37 (hg19) VCF-style: chr8-68152394-T-C.
Other names: c.2979+3A>G (NM_001413184.1, NM_001413192.1, NM_001413189.1 and 6 more transcripts); c.2379+3A>G (NM_001413188.1, NM_001413197.1, NM_001413193.1); c.1554+3A>G (NM_001413196.1); c.2973+3A>G (NM_001413190.1).
Identifiers: ClinVar variation 3899206 (VCV003899206.1).
Genomic context (GRCh38, chr8:67,240,159, plus strand): 5'-CTATTGTAATGGCATAGGTAATTAATGTTCCAAACTGGCTACAAAGACAAAATTCTCTGT[T>C]ACCTGAATGCTGAAAATGCATGCAATTCTGATTGCACATCTTATACCTTCCAGGCAAAGA-3'

ClinVar aggregate classification (germline): Uncertain significance (1 of 4 stars; one submission).

Submission:

GeneDx
Classification: Uncertain significance. Last evaluated: 2024-11-10. Review status: criteria provided, single submitter. Criteria: GeneDx Variant Classification Process June 2021. Collection method: clinical testing. Allele origin: germline. Affected: yes.
Comment: Not observed at significant frequency in large population cohorts (gnomAD); In silico analysis supports a deleterious effect on splicing; Has not been previously published as pathogenic or benign to our knowledge.